The following is an entry in ClinVar:

ClinVar aggregate classification (germline): Uncertain significance. Review status: criteria provided, multiple submitters, no conflicts (2 of 4 stars). 2 submissions from 2 submitters: Uncertain significance (2). Last evaluated 2025-04-08.

Conditions:
Rubinstein-Taybi syndrome due to CREBBP mutations (RSTS1). Also called: RUBINSTEIN-TAYBI SYNDROME 1, INCOMPLETE; BROAD THUMB-HALLUX SYNDROME; RUBINSTEIN SYNDROME; CREBBP-Related Rubinstein-Taybi Syndrome; Rubinstein-Taybi syndrome 1; BROAD THUMBS AND GREAT TOES, CHARACTERISTIC FACIES, AND IMPAIRED INTELLECTUAL DEVELOPMENT. Identifiers: Orphanet 353277, Orphanet 783, MedGen C4551859, MONDO:0008393, OMIM 180849.
Menke-Hennekam syndrome 1 (MKHK1). Identifiers: MedGen C5193034, MONDO:0020763, OMIM 618332.
Rubinstein-Taybi syndrome (RSTS). Identifiers: Orphanet 783, MedGen C0035934, MONDO:0019188.

gnomAD v4.1: 4 of 1,614,040 alleles (0.00025%); highest among the groups gnomAD compares: African/African-American, 0.0013%; no homozygotes.

Submissions (2):

Labcorp Genetics (formerly Invitae), Labcorp
Classification: Uncertain significance for Rubinstein-Taybi syndrome. Last evaluated: 2025-04-08. Review status: criteria provided, single submitter. Criteria: Invitae Variant Classification Sherloc (09022015). Collection method: clinical testing. Allele origin: germline.
Comment: This sequence change replaces glutamine, which is neutral and polar, with glutamic acid, which is acidic and polar, at codon 1558 of the CREBBP protein (p.Gln1558Glu). This variant is present in population databases (rs778375586, gnomAD 0.003%). This variant has not been reported in the literature in individuals affected with CREBBP-related conditions. ClinVar contains an entry for this variant (Variation ID: 3580614). Invitae Evidence Modeling of protein sequence and biophysical properties (such as structural, functional, and spatial information, amino acid conservation, physicochemical variation, residue mobility, and thermodynamic stability) has been performed for this missense variant. However, the output from this modeling did not meet the statistical confidence thresholds required to predict the impact of this variant on CREBBP protein function. In summary, the available evidence is currently insufficient to determine the role of this variant in disease. Therefore, it has been classified as a Variant of Uncertain Significance.

Fulgent Genetics
Classification: Uncertain significance for Rubinstein-Taybi syndrome due to CREBBP mutations; Menke-Hennekam syndrome 1. Last evaluated: 2024-04-28. Review status: criteria provided, single submitter. Criteria: ACMG Guidelines, 2015. Collection method: clinical testing. Allele origin: germline.

NM_004380.3(CREBBP):c.4672C>G (p.Gln1558Glu)

Gene: CREBBP (CREB binding lysine acetyltransferase; minus strand). Cytogenetic location: 16p13.3.
Variant type: single nucleotide variant.
Coding change: c.4672C>G on transcript NM_004380.3 (MANE Select); coding-DNA position 4672, C replaced by G.
Protein change: p.Gln1558Glu; replaces glutamine 1558 with glutamic acid.
Molecular consequence: missense variant.
Genome position (GRCh38, 1-based): chr16:3,736,092, G>C on the plus strand (C>G on the coding strand, the complement: CREBBP is on the minus strand). VCF-style: chr16-3736092-G-C. GRCh37 (hg19) VCF-style: chr16-3786093-G-C.
Other names: c.4558C>G, p.Gln1520Glu (NM_001079846.1); short protein forms Q1558E, Q1520E.
Identifiers: ClinVar variation 3580614 (VCV003580614.2).